The following is an entry in ClinVar:

NM_199242.3(UNC13D):c.3082C>G (p.Leu1028Val)

Gene: UNC13D (unc-13 homolog D; minus strand). Cytogenetic location: 17q25.1.
Variant type: single nucleotide variant.
Coding change: c.3082C>G on transcript NM_199242.3 (MANE Select); coding-DNA position 3082, C replaced by G.
Protein change: p.Leu1028Val; replaces leucine 1028 with valine.
Molecular consequence: missense variant.
Genome position (GRCh38, 1-based): chr17:75,828,856, G>C on the plus strand (C>G on the coding strand, the complement: UNC13D is on the minus strand). VCF-style: chr17-75828856-G-C. GRCh37 (hg19) VCF-style: chr17-73824937-G-C.
Other names: short protein forms L1028V.
Identifiers: ClinVar variation 841966 (VCV000841966.8), dbSNP rs2062141511, ClinGen allele CA401074308.

ClinVar aggregate classification (germline): Uncertain significance (1 of 4 stars; one submission).

Conditions:
Familial hemophagocytic lymphohistiocytosis 3 (FHL3). Also called: UNC13D-Related Familial Hemophagocytic Lymphohistiocytosis (UNC13D-fHLH). Identifiers: Orphanet 540, MedGen C1837174, MONDO:0012146, OMIM 608898.

Allele frequency attached by ClinVar (database versions not stated): gnomAD exomes 0.00001.
gnomAD v4.1: 8 of 1,592,404 alleles (0.0005%); highest among the groups gnomAD compares: South Asian, 0.0011%; no homozygotes.

Submission:

Labcorp Genetics (formerly Invitae), Labcorp
Classification: Uncertain significance for Familial hemophagocytic lymphohistiocytosis 3. Last evaluated: 2021-06-07. Review status: criteria provided, single submitter. Criteria: Invitae Variant Classification Sherloc (09022015). Collection method: clinical testing. Allele origin: germline.
Comment: This variant has not been reported in the literature in individuals with UNC13D-related conditions. In summary, the available evidence is currently insufficient to determine the role of this variant in disease. Therefore, it has been classified as a Variant of Uncertain Significance. Algorithms developed to predict the effect of sequence changes on RNA splicing suggest that this variant may create or strengthen a splice site, but this prediction has not been confirmed by published transcriptional studies. Algorithms developed to predict the effect of missense changes on protein structure and function (SIFT, PolyPhen-2, Align-GVGD) all suggest that this variant is likely to be tolerated, but these predictions have not been confirmed by published functional studies and their clinical significance is uncertain. This variant is not present in population databases (ExAC no frequency). This sequence change replaces leucine with valine at codon 1028 of the UNC13D protein (p.Leu1028Val). The leucine residue is moderately conserved and there is a small physicochemical difference between leucine and valine.